The following is an entry in ClinVar:

ClinVar aggregate classification (germline): Likely pathogenic (1 of 4 stars; one submission).

Submission:

CeGaT Center for Human Genetics Tuebingen
Classification: Likely pathogenic. Last evaluated: 2025-03-01. Review status: criteria provided, single submitter. Criteria: CeGaT Center For Human Genetics Tuebingen Variant Classification Criteria Version 2. Collection method: clinical testing. Allele origin: germline. Affected: yes. Observed: 1 variant allele.
Comment: CFTR: PM3:Strong, PM2, PP3

NM_000492.4(CFTR):c.458G>T (p.Arg153Ile)

Gene: CFTR (CF transmembrane conductance regulator; plus strand). Cytogenetic location: 7q31.2.
Variant type: single nucleotide variant.
Coding change: c.458G>T on transcript NM_000492.4 (MANE Select); coding-DNA position 458, G replaced by T.
Protein change: p.Arg153Ile; replaces arginine 153 with isoleucine.
Molecular consequence: missense variant.
Genome position (GRCh38, 1-based): chr7:117,531,083, G>T. VCF-style: chr7-117531083-G-T. GRCh37 (hg19) VCF-style: chr7-117171137-G-T.
Other names: short protein forms R153I.
Identifiers: ClinVar variation 3778316 (VCV003778316.7).